The following is an entry in ClinVar:

ClinVar aggregate classification (germline): Uncertain significance. Review status: criteria provided, multiple submitters, no conflicts (2 of 4 stars). 2 submissions from 2 submitters: Uncertain significance (2). Last evaluated 2024-02-05.

Conditions:
Inborn genetic diseases. Identifiers: MedGen C0950123, MeSH D030342.
Charcot-Marie-Tooth disease type 2. Also called: Charcot-Marie-Tooth type 2. Identifiers: Orphanet 64746, MedGen C0270914, MONDO:0018993.

Allele frequency attached by ClinVar (database versions not stated): TOPMed 0.00001; gnomAD exomes 0.00001.
gnomAD v4.1: 9 of 1,609,620 alleles (0.00056%); highest among the groups gnomAD compares: East Asian, 0.0045%; no homozygotes.

Submissions (2):

Ambry Genetics
Classification: Uncertain significance for Inborn genetic diseases. Last evaluated: 2024-02-05. Review status: criteria provided, single submitter. Criteria: Ambry Variant Classification Scheme 2023. Collection method: clinical testing. Allele origin: germline.

Labcorp Genetics (formerly Invitae), Labcorp
Classification: Uncertain significance for Charcot-Marie-Tooth disease type 2. Last evaluated: 2019-11-20. Review status: criteria provided, single submitter. Criteria: Invitae Variant Classification Sherloc (09022015). Collection method: clinical testing. Allele origin: germline.
Comment: This variant is not present in population databases (ExAC no frequency). This sequence change replaces arginine with histidine at codon 586 of the MED25 protein (p.Arg586His). The arginine residue is moderately conserved and there is a small physicochemical difference between arginine and histidine. This variant has not been reported in the literature in individuals with MED25-related conditions. In summary, the available evidence is currently insufficient to determine the role of this variant in disease. Therefore, it has been classified as a Variant of Uncertain Significance. Algorithms developed to predict the effect of missense changes on protein structure and function are either unavailable or do not agree on the potential impact of this missense change (SIFT: "Tolerated"; PolyPhen-2: "Possibly Damaging"; Align-GVGD: "Class C0").

NM_030973.4(MED25):c.1757G>A (p.Arg586His)

Gene: MED25 (mediator complex subunit 25; plus strand). Cytogenetic location: 19q13.33.
Variant type: single nucleotide variant.
Coding change: c.1757G>A on transcript NM_030973.4 (MANE Select); coding-DNA position 1757, G replaced by A.
Protein change: p.Arg586His; replaces arginine 586 with histidine.
Molecular consequence: missense variant.
Genome position (GRCh38, 1-based): chr19:49,835,737, G>A. VCF-style: chr19-49835737-G-A. GRCh37 (hg19) VCF-style: chr19-50338994-G-A.
Other names: c.1757G>A, p.Arg586His (NM_001378355.1); short protein forms R586H.
Identifiers: ClinVar variation 853668 (VCV000853668.8), dbSNP rs1184393042, ClinGen allele CA406919790.